The following is an entry in ClinVar:

ClinVar aggregate classification (germline): Uncertain significance (1 of 4 stars; one submission).

Conditions:
Epidermodysplasia verruciformis. Identifiers: Orphanet 302, MedGen C0014522, MONDO:0009176.

Allele frequency attached by ClinVar (database versions not stated): gnomAD exomes 0.00001 and 0.00002; TOPMed 0.00001; ExAC 0.00002.
gnomAD v4.1: 24 of 1,613,096 alleles (0.0015%); highest among the groups gnomAD compares: Non-Finnish European, 0.0018%; no homozygotes.

Submission:

Labcorp Genetics (formerly Invitae), Labcorp
Classification: Uncertain significance for Epidermodysplasia verruciformis. Last evaluated: 2024-11-05. Review status: criteria provided, single submitter. Criteria: Invitae Variant Classification Sherloc (09022015). Collection method: clinical testing. Allele origin: germline.
Comment: This sequence change replaces arginine, which is basic and polar, with histidine, which is basic and polar, at codon 491 of the TMC6 protein (p.Arg491His). This variant is present in population databases (rs764901750, gnomAD 0.004%). This variant has not been reported in the literature in individuals affected with TMC6-related conditions. ClinVar contains an entry for this variant (Variation ID: 1513380). An algorithm developed to predict the effect of missense changes on protein structure and function (PolyPhen-2) suggests that this variant is likely to be disruptive. In summary, the available evidence is currently insufficient to determine the role of this variant in disease. Therefore, it has been classified as a Variant of Uncertain Significance.

NM_001127198.5(TMC6):c.1472G>A (p.Arg491His)

Gene: TMC6 (transmembrane channel like 6; minus strand). Cytogenetic location: 17q25.3.
Variant type: single nucleotide variant.
Coding change: c.1472G>A on transcript NM_001127198.5 (MANE Select); coding-DNA position 1472, G replaced by A.
Protein change: p.Arg491His; replaces arginine 491 with histidine.
Molecular consequence: missense variant. On other transcripts: non-coding transcript variant (4).
Genome position (GRCh38, 1-based): chr17:78,121,076, C>T on the plus strand (G>A on the coding strand, the complement: TMC6 is on the minus strand). VCF-style: chr17-78121076-C-T. GRCh37 (hg19) VCF-style: chr17-76117157-C-T.
Other names: c.1472G>A, p.Arg491His (NM_001321185.1, NM_001374593.1, NM_001374594.1 and 4 more transcripts); short protein forms R491H.
Identifiers: ClinVar variation 1513380 (VCV001513380.7), dbSNP rs764901750, ClinGen allele CA8795738.